The following is an entry in ClinVar:

NM_182914.3(SYNE2):c.2855A>G (p.Asn952Ser)

Gene: SYNE2 (spectrin repeat containing nuclear envelope protein 2; plus strand). Cytogenetic location: 14q23.2.
Variant type: single nucleotide variant.
Coding change: c.2855A>G on transcript NM_182914.3 (MANE Select); coding-DNA position 2855, A replaced by G.
Protein change: p.Asn952Ser; replaces asparagine 952 with serine.
Molecular consequence: missense variant.
Genome position (GRCh38, 1-based): chr14:63,995,117, A>G. VCF-style: chr14-63995117-A-G. GRCh37 (hg19) VCF-style: chr14-64461835-A-G.
Other names: c.2855A>G, p.Asn952Ser (NM_015180.6); short protein forms N952S.
Identifiers: ClinVar variation 3692651 (VCV003692651.2).
Genomic context (GRCh38, chr14:63,995,117, plus strand): 5'-AACTGTCTTTATATGTTCAACAACTAAAAATAGATATTGAAAAAGGAAAGCTTAGTGACA[A>G]TATTTTAAAACTTGAAAAGCAAATAAATAAAGAAAAGAAACTTATCCGTAGAGGAAGGAC-3'
Protein context (NP_878918.2, residues 942-962): IDIEKGKLSD[Asn952Ser]ILKLEKQINK

ClinVar aggregate classification (germline): Uncertain significance (1 of 4 stars; one submission).

Conditions:
Emery-Dreifuss muscular dystrophy 5, autosomal dominant (EDMD5). Also called: EMERY-DREIFUSS MUSCULAR DYSTROPHY 5. Identifiers: Orphanet 261, MedGen C2751805, MONDO:0013072, OMIM 612999.

gnomAD v4.1: 9 of 1,598,492 alleles (0.00056%); highest among the groups gnomAD compares: African/African-American, 0.0054%; no homozygotes.

Submission:

Labcorp Genetics (formerly Invitae), Labcorp
Classification: Uncertain significance for Emery-Dreifuss muscular dystrophy 5, autosomal dominant. Last evaluated: 2026-01-21. Review status: criteria provided, single submitter. Criteria: Invitae Variant Classification Sherloc (09022015). Collection method: clinical testing. Allele origin: germline.
Comment: This sequence change replaces asparagine, which is neutral and polar, with serine, which is neutral and polar, at codon 952 of the SYNE2 protein (p.Asn952Ser). This variant is present in population databases (no rsID available, gnomAD 0.007%). This variant has not been reported in the literature in individuals affected with SYNE2-related conditions. ClinVar contains an entry for this variant (Variation ID: 3692651). An algorithm developed to predict the effect of missense changes on protein structure and function outputs the following: PolyPhen-2: "Benign". The serine amino acid residue is found in multiple mammalian species, which suggests that this missense change does not adversely affect protein function. In summary, the available evidence is currently insufficient to determine the role of this variant in disease. Therefore, it has been classified as a Variant of Uncertain Significance.